The following is an entry in ClinVar:

NM_000435.3(NOTCH3):c.2538C>T (p.Cys846=)

Gene: NOTCH3 (notch receptor 3; minus strand). Cytogenetic location: 19p13.12.
Variant type: single nucleotide variant.
Coding change: c.2538C>T on transcript NM_000435.3 (MANE Select); coding-DNA position 2538, C replaced by T.
Protein change: p.Cys846=; no amino-acid change (cysteine 846 retained).
Molecular consequence: synonymous variant.
Genome position (GRCh38, 1-based): chr19:15,184,323, G>A on the plus strand (C>T on the coding strand, the complement: NOTCH3 is on the minus strand). VCF-style: chr19-15184323-G-A. GRCh37 (hg19) VCF-style: chr19-15295134-G-A.
Other names: p.Cys846=.
Identifiers: ClinVar variation 256129 (VCV000256129.37), dbSNP rs1043996, ClinGen allele CA9263344.

ClinVar aggregate classification (germline): Benign. Review status: criteria provided, multiple submitters, no conflicts (2 of 4 stars). 14 submissions from 13 submitters: Benign (11). 3 of the submissions do not count toward it. Last evaluated 2026-02-03.

Conditions:
Lateral meningocele syndrome (LMNS). Also called: NOTCH3-Related Lateral Meningocele Syndrome. Identifiers: Orphanet 2789, MedGen C1851710, MONDO:0007537, OMIM 130720.
Cerebral arteriopathy, autosomal dominant, with subcortical infarcts and leukoencephalopathy, type 1 (CADASIL1). Also called: CASIL; Cerebral arteriopathy with subcortical infarcts and leukoencephalopathy 1; DEMENTIA, HEREDITARY MULTIINFARCT TYPE; CADASIL 1. Identifiers: Orphanet 136, MedGen C4551768, MONDO:0000914, OMIM 125310.

Allele frequency attached by ClinVar (database versions not stated): 1000 Genomes Project 30x 0.51562; 1000 Genomes Project 0.51997; TOPMed 0.54058; gnomAD 0.56438 and 0.57092; ESP Exome Variant Server 0.56643; gnomAD exomes 0.64094 and 0.69518; ExAC 0.64274.
gnomAD v4.1: 1,100,455 of 1,613,270 alleles (68%); highest among the groups gnomAD compares: Non-Finnish European, 72%; 385,251 homozygotes.

Submissions (14):

Labcorp Genetics (formerly Invitae), Labcorp
Classification: Benign. Last evaluated: 2026-02-03. Review status: criteria provided, single submitter. Criteria: Invitae Variant Classification Sherloc (09022015). Collection method: clinical testing. Allele origin: germline.

Blueprint Genetics
Classification: Benign. Last evaluated: 2024-11-28. Review status: criteria provided, single submitter. Criteria: ACMG Guidelines, 2015. Collection method: clinical testing. Allele origin: germline.

Mayo Clinic Laboratories, Mayo Clinic
Classification: Benign. Last evaluated: 2022-04-26. Review status: criteria provided, single submitter. Criteria: ACMG Guidelines, 2015. Collection method: clinical testing. Allele origin: germline. Observed: 2,556 variant alleles.

Genome-Nilou Lab
Classification: Benign for Cerebral arteriopathy, autosomal dominant, with subcortical infarcts and leukoencephalopathy, type 1. Last evaluated: 2021-09-05. Review status: criteria provided, single submitter. Criteria: ACMG Guidelines, 2015. Collection method: clinical testing. Allele origin: germline. Affected: no.

Genome-Nilou Lab
Classification: Benign for Lateral meningocele syndrome. Last evaluated: 2021-09-05. Review status: criteria provided, single submitter. Criteria: ACMG Guidelines, 2015. Collection method: clinical testing. Allele origin: germline. Affected: no.

ARUP Laboratories, Molecular Genetics and Genomics, ARUP Laboratories
Classification: Benign. Last evaluated: 2021-01-14. Review status: criteria provided, single submitter. Criteria: ARUP Molecular Germline Variant Investigation Process 2021. Collection method: clinical testing. Allele origin: germline.

GeneDx
Classification: Benign. Last evaluated: 2019-03-01. Review status: criteria provided, single submitter. Criteria: GeneDx Variant Classification Process June 2021. Collection method: clinical testing. Allele origin: germline. Affected: yes.

Illumina Laboratory Services, Illumina
Classification: Benign for Cerebral arteriopathy, autosomal dominant, with subcortical infarcts and leukoencephalopathy, type 1. Last evaluated: 2018-01-13. Review status: criteria provided, single submitter. Criteria: ICSL Variant Classification Criteria 13 December 2019. Collection method: clinical testing. Allele origin: germline.
Comment: This variant was observed in the ICSL laboratory as part of a predisposition screen in an ostensibly healthy population. It had not been previously curated by ICSL or reported in the Human Gene Mutation Database (HGMD: prior to June 1st, 2018), and was therefore a candidate for classification through an automated scoring system. Utilizing variant allele frequency, disease prevalence and penetrance estimates, and inheritance mode, an automated score was calculated to assess if this variant is too frequent to cause the disease. Based on the score and internal cut-off values, a variant classified as benign is not then subjected to further curation. The score for this variant resulted in a classification of benign for this disease.

Athena Diagnostics
Classification: Benign for Cerebral arteriopathy, autosomal dominant, with subcortical infarcts and leukoencephalopathy, type 1. Last evaluated: 2017-05-17. Review status: criteria provided, single submitter. Criteria: Athena Diagnostics Criteria. Collection method: clinical testing. Allele origin: germline.

Breakthrough Genomics
Classification: Benign. Review status: criteria provided, single submitter. Criteria: ACMG Guidelines, 2015. Collection method: not provided. Allele origin: germline. Inheritance: Autosomal dominant inheritance. Affected: yes.

PreventionGenetics, part of Exact Sciences
Classification: Benign. Review status: criteria provided, single submitter. Criteria: ACMG Guidelines, 2015. Collection method: clinical testing. Allele origin: germline.

Clinical Genetics DNA and cytogenetics Diagnostics Lab, Erasmus MC, Erasmus Medical Center
Classification: Benign. Review status: no assertion criteria provided. Collection method: clinical testing. Allele origin: germline. Affected: yes. Study: VKGL Data-share Consensus. Not counted in ClinVar's aggregate classification.

Diagnostic Laboratory, Department of Genetics, University Medical Center Groningen
Classification: Benign. Review status: no assertion criteria provided. Collection method: clinical testing. Allele origin: germline. Affected: yes. Study: VKGL Data-share Consensus. Not counted in ClinVar's aggregate classification.

Genome Diagnostics Laboratory, Amsterdam University Medical Center
Classification: Benign. Review status: no assertion criteria provided. Collection method: clinical testing. Allele origin: germline. Affected: yes. Study: VKGL Data-share Consensus. Not counted in ClinVar's aggregate classification.

Literature cited by the submitters: PubMed 24086431 (cited by Athena Diagnostics).